The following is an entry in ClinVar:

ClinVar aggregate classification (germline): Pathogenic/Likely pathogenic. Review status: criteria provided, multiple submitters, no conflicts (2 of 4 stars). 3 submissions from 3 submitters: Pathogenic (1); Likely pathogenic (2). Last evaluated 2023-11-14.

Conditions:
LAMA2-related muscular dystrophy (LAMA2-RD). Also called: Laminin alpha 2-related dystrophy. Identifiers: MedGen C5679788, MONDO:0100228.
Muscular dystrophy, limb-girdle, autosomal recessive 23. Identifiers: Orphanet 565837, MedGen C4748327, MONDO:0029136, OMIM 618138.
Merosin deficient congenital muscular dystrophy (MDC1A). Also called: Congenital merosin-deficient muscular dystrophy 1A; Congenital Muscular Dystrophy Type 1A (MDC1A). Identifiers: Orphanet 258, MedGen C1263858, MONDO:0011925, OMIM 607855.

gnomAD v4.1: 1 of 1,607,396 alleles (0.000062%); highest among the groups gnomAD compares: Middle Eastern, 0.017%; no homozygotes.

Submissions (3):

Labcorp Genetics (formerly Invitae), Labcorp
Classification: Pathogenic for LAMA2-related muscular dystrophy. Last evaluated: 2023-11-14. Review status: criteria provided, single submitter. Criteria: Invitae Variant Classification Sherloc (09022015). Collection method: clinical testing. Allele origin: germline.
Comment: This sequence change creates a premature translational stop signal (p.Tyr276*) in the LAMA2 gene. It is expected to result in an absent or disrupted protein product. Loss-of-function variants in LAMA2 are known to be pathogenic (PMID: 18700894, 32904964). This variant is not present in population databases (gnomAD no frequency). This variant has not been reported in the literature in individuals affected with LAMA2-related conditions. ClinVar contains an entry for this variant (Variation ID: 477517). Algorithms developed to predict the effect of sequence changes on RNA splicing suggest that this variant may disrupt the consensus splice site. For these reasons, this variant has been classified as Pathogenic.

Baylor Genetics
Classification: Likely pathogenic for Merosin deficient congenital muscular dystrophy. Last evaluated: 2022-09-10. Review status: criteria provided, single submitter. Criteria: ACMG Guidelines, 2015. Collection method: clinical testing. Allele origin: unknown.

Department of Pathology and Laboratory Medicine, Sinai Health System
Classification: Likely pathogenic for Merosin deficient congenital muscular dystrophy; Muscular dystrophy, limb-girdle, autosomal recessive 23. Last evaluated: 2021-11-08. Review status: criteria provided, single submitter. Criteria: ACMG Guidelines, 2015. Collection method: research. Allele origin: germline.

Literature cited by the submitters: PubMed 18700894 (cited by Labcorp Genetics (formerly Invitae), Labcorp); PubMed 32904964 (cited by Labcorp Genetics (formerly Invitae), Labcorp).

NM_000426.4(LAMA2):c.828C>G (p.Tyr276Ter)

Gene: LAMA2 (laminin subunit alpha 2; plus strand). Cytogenetic location: 6q22.33.
Variant type: single nucleotide variant.
Coding change: c.828C>G on transcript NM_000426.4 (MANE Select); coding-DNA position 828, C replaced by G.
Protein change: p.Tyr276Ter; replaces tyrosine 276 with a stop codon.
Molecular consequence: nonsense.
Genome position (GRCh38, 1-based): chr6:129,146,967, C>G. VCF-style: chr6-129146967-C-G. GRCh37 (hg19) VCF-style: chr6-129468112-C-G.
Other names: c.828C>G, p.Tyr276Ter (NM_001079823.2); short protein forms Y276*.
Identifiers: ClinVar variation 477517 (VCV000477517.11), dbSNP rs1028599119, ClinGen allele CA146884965.
Genomic context (GRCh38, chr6:129,146,967, plus strand): 5'-TTTGACCTTGCAGTCATCTTAACAGGATTTCTCTCTGGATTGCTTTTTGCAGTATTACTA[C>G]TCGGTCAAGGATATTTCAGTTGGAGGGATGTGCATCTGCTATGGTCATGCCAGGGCTTGT-3'